The following is an entry in ClinVar:

NM_007294.4(BRCA1):c.3022A>G (p.Met1008Val)

Gene: BRCA1 (BRCA1 DNA repair associated; minus strand). Cytogenetic location: 17q21.31.
Variant type: single nucleotide variant.
Coding change: c.3022A>G on transcript NM_007294.4 (MANE Select); coding-DNA position 3022, A replaced by G.
Protein change: p.Met1008Val; replaces methionine 1008 with valine.
Molecular consequence: missense variant. On other transcripts: intron variant (137).
Genome position (GRCh38, 1-based): chr17:43,092,509, T>C on the plus strand (A>G on the coding strand, the complement: BRCA1 is on the minus strand). VCF-style: chr17-43092509-T-C. GRCh37 (hg19) VCF-style: chr17-41244526-T-C.
Other names: p.M1008V:ATG>GTG; 3141A>G; NP_009225.1:p.Met1008Val; c.3022A>G, p.Met1008Val (NM_001407640.1, NM_001407641.1, NM_001407642.1 and 30 more transcripts); c.3019A>G, p.Met1007Val (NM_001407644.1, NM_001407645.1, NM_001407860.1 and 22 more transcripts); c.3013A>G, p.Met1005Val (NM_001407646.1, NM_001407647.1); c.2899A>G, p.Met967Val (NM_001407648.1, NM_001407664.1, NM_001407665.1 and 19 more transcripts); c.2896A>G, p.Met966Val (NM_001407649.1, NM_001407685.1, NM_001407686.1 and 11 more transcripts); and 44 more; short protein forms M1008V, M961V, M897V, M966V, M967V, M1005V, M712V, M937V.
Identifiers: ClinVar variation 54755 (VCV000054755.70), dbSNP rs56321129, ClinGen allele CA001982.
Genomic context (GRCh38, chr17:43,092,509, plus strand): 5'-GGCTAATTGTGCTCACTGTACTTGGAATGTTCTCATTTCCCATTTCTCTTTCAGGTGACA[T>C]TGAATGTTCCTCAAAGTTTTCCTCTAGCAGATTTTTCTTACATTTAGTTTTAACAAATGA-3'
Protein context (NP_009225.1, residues 998-1018): LLEENFEEHS[Met1008Val]SPEREMGNEN

ClinVar aggregate classification (germline): Benign. Review status: reviewed by expert panel (3 of 4 stars). 23 submissions from 23 submitters: Benign (1). 22 of the submissions do not count toward it. Last evaluated 2015-08-10.

Conditions:
Hereditary cancer-predisposing syndrome. Also called: Hereditary Cancer Syndrome; Tumor predisposition; Neoplastic Syndromes, Hereditary; Hereditary neoplastic syndrome. Identifiers: Orphanet 140162, MedGen C0027672, MeSH D009386, MONDO:0015356.
Hereditary breast ovarian cancer syndrome. Also called: Breast and ovarian cancer; BRCA1- and BRCA2-Associated Hereditary Breast and Ovarian Cancer; Hereditary breast and ovarian cancer; Hereditary breast and ovarian cancer syndrome (HBOC); Hereditary breast and ovarian cancer syndrome; Hereditary breast and/or ovarian cancer syndrome. Identifiers: Orphanet 145, MedGen C0677776, MeSH D061325, MONDO:0003582. Disease mechanism: loss of function.
Prostate cancer. Also called: Malignant tumor of prostate. Identifiers: Orphanet 1331, MedGen C0376358, MONDO:0008315, HP:0012125.
Breast-ovarian cancer, familial, susceptibility to, 1 (BROVCA1). Also called: BRCA1 Hereditary Breast and Ovarian Cancer; OVARIAN CANCER, SUSCEPTIBILITY TO. Identifiers: Orphanet 145, MedGen C2676676, MONDO:0011450, OMIM 604370. Disease mechanism: loss of function.
Malignant tumor of breast. Also called: Malignant breast neoplasm; Cancer breast. Identifiers: MedGen C0006142, MONDO:0007254. Disease mechanism: loss of function.

Allele frequency attached by ClinVar (database versions not stated): 1000 Genomes Project 0.00040; 1000 Genomes Project 30x 0.00047; TOPMed 0.00074; ESP Exome Variant Server 0.00077; gnomAD 0.00088 and 0.00095; gnomAD exomes 0.00019; ExAC 0.00021.

Submissions (23):

Evidence-based Network for the Interpretation of Germline Mutant Alleles (ENIGMA)
Classification: Benign for Breast-ovarian cancer, familial 1. Last evaluated: 2015-08-10. Review status: reviewed by expert panel. Criteria: ENIGMA BRCA1/2 Classification Criteria (2015). Collection method: curation. Allele origin: germline.
Comment: IARC class based on posterior probability from multifactorial likelihood analysis, thresholds for class as per Plon et al. 2008 (PMID: 18951446). Class 1 based on posterior probability = 0.00000000000204

CeGaT Center for Human Genetics Tuebingen
Classification: Likely benign. Last evaluated: 2026-03-01. Review status: criteria provided, single submitter. Criteria: CeGaT Center For Human Genetics Tuebingen Variant Classification Criteria Version 2. Collection method: clinical testing. Allele origin: germline. Affected: yes. Observed: 1 variant allele. Not counted in ClinVar's aggregate classification.
Comment: BRCA1: BP4, BS1

Labcorp Genetics (formerly Invitae), Labcorp
Classification: Benign for Hereditary breast ovarian cancer syndrome. Last evaluated: 2026-01-28. Review status: criteria provided, single submitter. Criteria: Invitae Variant Classification Sherloc (09022015). Collection method: clinical testing. Allele origin: germline. Not counted in ClinVar's aggregate classification.

Dasa
Classification: Benign for Breast-ovarian cancer, familial, susceptibility to, 1. Last evaluated: 2025-12-02. Review status: criteria provided, single submitter. Criteria: DASA Assertion Criteria. Collection method: clinical testing. Allele origin: germline. Not counted in ClinVar's aggregate classification.
Comment: NM_007294.4(BRCA1):c.3022A>G (p.Met1008Val) is a missense variant that results in the substitution of methionine with valine. Population frequency is inconsistent with a disease-causing role for this variant. Therefore, based on the currently available evidence, this variant is classified as benign.

Mayo Clinic Laboratories, Mayo Clinic
Classification: Benign. Last evaluated: 2025-09-16. Review status: criteria provided, single submitter. Criteria: ACMG Guidelines, 2015. Collection method: clinical testing. Allele origin: germline. Observed: 2 variant alleles. Not counted in ClinVar's aggregate classification.
Comment: BA1, BP1_strong

Center for Genomic Medicine, Rigshospitalet, Copenhagen University Hospital
Classification: Benign. Last evaluated: 2025-03-04. Review status: criteria provided, single submitter. Criteria: ACMG Guidelines, 2015. Collection method: clinical testing. Allele origin: germline. Not counted in ClinVar's aggregate classification.

Blueprint Genetics
Classification: Likely benign. Last evaluated: 2024-09-20. Review status: criteria provided, single submitter. Criteria: ACMG Guidelines, 2015. Collection method: clinical testing. Allele origin: germline. Not counted in ClinVar's aggregate classification.

ARUP Laboratories, Molecular Genetics and Genomics, ARUP Laboratories
Classification: Likely benign. Last evaluated: 2023-12-07. Review status: criteria provided, single submitter. Criteria: ARUP Molecular Germline Variant Investigation Process 2024. Collection method: clinical testing. Allele origin: germline. Not counted in ClinVar's aggregate classification.

National Health Laboratory Service, Universitas Academic Hospital and University of the Free State
Classification: Benign for Hereditary breast ovarian cancer syndrome. Last evaluated: 2022-04-19. Review status: criteria provided, single submitter. Criteria: ACMG Guidelines, 2015. Collection method: clinical testing. Allele origin: germline. Affected: yes. Observed: 3 variant alleles. Not counted in ClinVar's aggregate classification.

Sema4
Classification: Likely benign for Hereditary cancer-predisposing syndrome. Last evaluated: 2021-06-12. Review status: criteria provided, single submitter. Criteria: Sema4 Curation Guidelines. Collection method: curation. Allele origin: germline. Not counted in ClinVar's aggregate classification.

Genetic Services Laboratory, University of Chicago
Classification: Likely benign. Last evaluated: 2019-05-30. Review status: criteria provided, single submitter. Criteria: ACMG Guidelines, 2015. Collection method: clinical testing. Allele origin: germline. Affected: no. Not counted in ClinVar's aggregate classification.

Mendelics
Classification: Benign for Breast-ovarian cancer, familial, susceptibility to, 1. Last evaluated: 2019-05-28. Review status: criteria provided, single submitter. Criteria: Mendelics Assertion Criteria 2017. Collection method: clinical testing. Allele origin: unknown. Not counted in ClinVar's aggregate classification.

GeneDx
Classification: Benign. Last evaluated: 2018-11-30. Review status: criteria provided, single submitter. Criteria: GeneDx Variant Classification Process June 2021. Collection method: clinical testing. Allele origin: germline. Affected: yes. Not counted in ClinVar's aggregate classification.
Comment: This variant is associated with the following publications: (PMID: 15447980, 24055113, 25637381, 21990134, 15235020, 16014699, 24728327, 16267036, 15829246, 30287823, 33087888)

Color Diagnostics, LLC DBA Color Health
Classification: Benign for Hereditary cancer-predisposing syndrome. Last evaluated: 2015-10-28. Review status: criteria provided, single submitter. Criteria: ACMG Guidelines, 2015. Collection method: clinical testing. Allele origin: germline. Not counted in ClinVar's aggregate classification.

Eurofins Ntd Llc (ga)
Classification: Likely benign. Last evaluated: 2014-12-05. Review status: criteria provided, single submitter. Criteria: EGL Classification Definitions 2015. Collection method: clinical testing. Allele origin: germline. Observed: 1 variant allele, 1 heterozygote. Not counted in ClinVar's aggregate classification.

Ambry Genetics
Classification: Benign for Hereditary cancer-predisposing syndrome. Last evaluated: 2014-11-18. Review status: criteria provided, single submitter. Criteria: Ambry Variant Classification Scheme 2023. Collection method: clinical testing. Allele origin: germline. Not counted in ClinVar's aggregate classification.

CSER _CC_NCGL, University of Washington
Classification: Uncertain significance for Prostate cancer. Last evaluated: 2014-06-01. Review status: criteria provided, single submitter. Criteria: Amendola et al. (Genome Res. 2015). Collection method: research. Allele origin: germline. Inheritance: Autosomal dominant inheritance. Study: ESP 6500 variant annotation. Not counted in ClinVar's aggregate classification.
Comment: Low GERP score may suggest that this variant may belong in a lower pathogenicity class

Variants classified for the Actionable exomic incidental findings in 6503 participants: challenges of variant classification manuscript

Breakthrough Genomics
Classification: Benign. Review status: criteria provided, single submitter. Criteria: ACMG Guidelines, 2015. Collection method: not provided. Allele origin: germline. Inheritance: Autosomal recessive inheritance. Affected: yes. Not counted in ClinVar's aggregate classification.

ITMI
No classification provided. Condition: AllHighlyPenetrant. Last evaluated: 2013-09-19. Review status: no classification provided. Collection method: reference population. Allele origin: germline. Not counted in ClinVar's aggregate classification.
Comment: Please see associated publication for description of ethnicities

Breast Cancer Information Core (BIC) (BRCA1)
Classification: Benign for Breast-ovarian cancer, familial 1. Last evaluated: 2002-05-29. Review status: no assertion criteria provided. Collection method: clinical testing. Allele origin: germline. Affected: yes. Observed: 17 variant alleles. Not counted in ClinVar's aggregate classification.

Clinical Genetics DNA and cytogenetics Diagnostics Lab, Erasmus MC, Erasmus Medical Center
Classification: Benign. Review status: no assertion criteria provided. Collection method: clinical testing. Allele origin: germline. Affected: yes. Study: VKGL Data-share Consensus. Not counted in ClinVar's aggregate classification.

Department of Pathology and Laboratory Medicine, Sinai Health System
Classification: Benign for Malignant tumor of breast. Review status: no assertion criteria provided. Collection method: clinical testing. Allele origin: unknown. Affected: yes. Observed: 1 variant allele. Study: The Canadian Open Genetics Repository (COGR). Not counted in ClinVar's aggregate classification.
Comment: The BRCA1 p.Met1008Val variant was identified in 12 of 114808 proband chromosomes (frequency: 0.0001) from individuals or families with breast, ovarian and prostate cancer (Bodian 2014, Dorschner 2013, Judkins 2005, Zuhlke 2004). The variant was also identified in dbSNP (ID: rs56321129) â€šÃ„ÃºWith untested alleleâ€šÃ„Ã¹, with a minor allele frequency of 0.0004 (1000 Genomes Project), NHLBI Exome Sequencing Project (Exome Variant Server), HGMD, LOVD, the ClinVar database (classified as a bening variant) the BIC database (17X with no clinical importance), and UMD (6X as a neutral variant). The variant was identified by the Exome Variant Server project in 10 of 4406 African American alleles (frequency: 0.002), although this low number of observations and low frequency is not substantive enough to determine the prevalence of the variant in the general population and its relationship to disease. The p.Met1008 residue is not conserved in mammals and computational analyses (PolyPhen-2, SIFT, AlignGVGD, BLOSUM, MutationTaster) do not suggest a high likelihood of impact to the protein. However, this information is not predictive enough to rule out pathogenicity. The p.Met1008 variant occurs outside of the splicing consensus sequence and 1 of 5 in silico or computational prediction software programs (SpliceSiteFinder, MaxEntScan, NNSPLICE, GeneSplicer, HumanSpliceFinder) predict a greater than 10% difference in splicing; this is not very predictive of pathogenicity. Two studies classified the variant as VUS (Dorschner 2013, Judkins 2005). Studies by Abkevich (2004) and Lindor (2012) identified this variant as likely to be neutral or of little clinical significance. Furthermore, functional studies (Judkins 2005, Tavtigian 2006) observed the variant in trans with known deleterious mutations and stated that variants of uncertain clinical significance found to reside in trans with known deleterious mutations impart reduced risk for cancer. In summary, based on the above information, this variant meets our laboratory's criteria to be classified as benign.

Joint Genome Diagnostic Labs from Nijmegen and Maastricht, Radboudumc and MUMC+
Classification: Benign. Review status: no assertion criteria provided. Collection method: clinical testing. Allele origin: germline. Affected: yes. Study: VKGL Data-share Consensus. Not counted in ClinVar's aggregate classification.

Literature cited by the submitters: PubMed 21990134 (cited by Evidence-based Network for the Interpretation of Germline Mutant Alleles (ENIGMA) and Eurofins Ntd Llc (ga)); DOI 10.3389/fgene.2022.834265 (cited by National Health Laboratory Service, Universitas Academic Hospital and University of the Free State); PubMed 24728327 (cited by ITMI).